The following is an entry in ClinVar:

NM_033305.3(VPS13A):c.495+1G>A

Gene: VPS13A (vacuolar protein sorting 13 homolog A; plus strand). Cytogenetic location: 9q21.2.
Variant type: single nucleotide variant.
Coding change: c.495+1G>A on transcript NM_033305.3 (MANE Select); the canonical splice donor site of the intron after coding-DNA position 495, G replaced by A.
Molecular consequence: splice donor variant.
Genome position (GRCh38, 1-based): chr9:77,209,533, G>A. VCF-style: chr9-77209533-G-A. GRCh37 (hg19) VCF-style: chr9-79824449-G-A.
Other names: c.495+1G>A (NM_001018037.2, NM_015186.4, NM_001018038.3 and 1 more transcripts).
Identifiers: ClinVar variation 1066505 (VCV001066505.11), dbSNP rs1447585760, ClinGen allele CA373842360.

ClinVar aggregate classification (germline): Likely pathogenic. Review status: criteria provided, multiple submitters, no conflicts (2 of 4 stars). 3 submissions from 3 submitters: Likely pathogenic (3). Last evaluated 2025-10-21.

Conditions:
VPS13A-related neurodegenerative disease. Also called: LEVINE-CRITCHLEY SYNDROME; Choreoacanthocytosis; Choreaacanthocytosis; ACANTHOCYTOSIS WITH NEUROLOGIC DISORDER; Chorea-acanthocytosis; VPS13A Disease. Identifiers: Orphanet 2388, MedGen C0393576, MONDO:0008695, OMIM 200150.

Allele frequency attached by ClinVar (database versions not stated): gnomAD exomes below 0.00001; gnomAD 0.00001; TOPMed 0.00001.
gnomAD v4.1: 3 of 1,537,150 alleles (0.0002%); highest among the groups gnomAD compares: Non-Finnish European, 0.00027%; no homozygotes.

Submissions (3):

Natera, Inc.
Classification: Likely pathogenic for Choreaacanthocytosis. Last evaluated: 2025-10-21. Review status: criteria provided, single submitter. Criteria: Natera Variant Classification Schema (03/2026). Collection method: clinical testing. Allele origin: germline.
Comment: The c.495+1G>A variant in VPS13A is a canonical splice donor site variant predicted to affect pre-mRNA splicing, which may result in an abnormal transcript and altered protein product. This variant is expected to result in nonsense mediated decay, truncation, or a dysfunctional protein product. This variant is rare in the general population with a frequency below the threshold expected for the associated phenotype(s). Given the available evidence, this variant is classified as Likely Pathogenic.

Myriad Genetics, Inc.
Classification: Likely pathogenic for VPS13A-related neurodegenerative disease. Last evaluated: 2025-08-11. Review status: criteria provided, single submitter. Criteria: Myriad Autosomal Dominant, Autosomal Recessive and X-Linked Classification Criteria (2023). Collection method: clinical testing. Allele origin: unknown.
Comment: NM_033305.2(VPS13A):c.495+1G>A is a variant in a canonical splice site classified as likely pathogenic in the context of VPS13A disease. c.495+1G>A has been observed in cases with relevant disease (PMID: 15293285, 24394886). Relevant functional assessments of this variant are not available in the literature. c.495+1G>A has not been observed in referenced population frequency databases. In summary, NM_033305.2(VPS13A):c.495+1G>A is a variant in a canonical splice site in a gene where loss of function is a known mechanism of disease, is predicted to disrupt protein function, and has been observed more frequently in cases with the relevant disease than in healthy populations. Please note: this variant was assessed in the context of healthy population screening.

Labcorp Genetics (formerly Invitae), Labcorp
Classification: Likely pathogenic. Last evaluated: 2023-02-16. Review status: criteria provided, single submitter. Criteria: Invitae Variant Classification Sherloc (09022015). Collection method: clinical testing. Allele origin: germline.
Comment: In summary, the currently available evidence indicates that the variant is pathogenic, but additional data are needed to prove that conclusively. Therefore, this variant has been classified as Likely Pathogenic. Algorithms developed to predict the effect of sequence changes on RNA splicing suggest that this variant may disrupt the consensus splice site. ClinVar contains an entry for this variant (Variation ID: 1066505). Disruption of this splice site has been observed in individual(s) with clinical features of VPS13A-related conditions (PMID: 15293285). This variant is not present in population databases (gnomAD no frequency). This sequence change affects a donor splice site in intron 6 of the VPS13A gene. It is expected to disrupt RNA splicing. Variants that disrupt the donor or acceptor splice site typically lead to a loss of protein function (PMID: 16199547), and loss-of-function variants in VPS13A are known to be pathogenic (PMID: 12404112, 21598378).

Literature cited by the submitters: PubMed 15293285 (cited by Myriad Genetics, Inc. and Labcorp Genetics (formerly Invitae), Labcorp); PubMed 24394886 (cited by Myriad Genetics, Inc.); PubMed 16199547 (cited by Labcorp Genetics (formerly Invitae), Labcorp); PubMed 12404112 (cited by Labcorp Genetics (formerly Invitae), Labcorp); PubMed 21598378 (cited by Labcorp Genetics (formerly Invitae), Labcorp).